The following is an entry in ClinVar:

NM_194248.3(OTOF):c.5858C>T (p.Ser1953Leu)

Gene: OTOF (otoferlin; minus strand). Cytogenetic location: 2p23.3.
Variant type: single nucleotide variant.
Coding change: c.5858C>T on transcript NM_194248.3 (MANE Select); coding-DNA position 5858, C replaced by T.
Protein change: p.Ser1953Leu; replaces serine 1953 with leucine.
Molecular consequence: missense variant. On other transcripts: intron variant (2).
Genome position (GRCh38, 1-based): chr2:26,460,161, G>A on the plus strand (C>T on the coding strand, the complement: OTOF is on the minus strand). VCF-style: chr2-26460161-G-A. GRCh37 (hg19) VCF-style: chr2-26683029-G-A.
Other names: c.3557C>T, p.Ser1186Leu (NM_004802.4); c.3788C>T, p.Ser1263Leu (NM_194322.3); c.5813+486C>T (NM_001287489.2); c.3512+486C>T (NM_194323.3); short protein forms S1186L, S1263L, S1953L.
Identifiers: ClinVar variation 2397396 (VCV002397396.3), dbSNP rs1250079687, ClinGen allele CA346127867.

ClinVar aggregate classification (germline): Uncertain significance. Review status: criteria provided, multiple submitters, no conflicts (2 of 4 stars). 2 submissions from 2 submitters: Uncertain significance (2). Last evaluated 2024-12-02.

Conditions:
Inborn genetic diseases. Identifiers: MedGen C0950123, MeSH D030342.

Allele frequency attached by ClinVar (database versions not stated): gnomAD 0.00002; gnomAD exomes 0.00002; TOPMed 0.00002.
gnomAD v4.1: 31 of 1,604,558 alleles (0.0019%); highest among the groups gnomAD compares: Non-Finnish European, 0.0024%; no homozygotes.

Submissions (2):

GeneDx
Classification: Uncertain significance. Last evaluated: 2024-12-02. Review status: criteria provided, single submitter. Criteria: GeneDx Variant Classification Process June 2021. Collection method: clinical testing. Allele origin: germline. Affected: yes.
Comment: Not observed at significant frequency in large population cohorts (gnomAD); In silico analysis supports a deleterious effect on splicing; Has not been previously published as pathogenic or benign to our knowledge; Reported using an alternate transcript of the gene

Ambry Genetics
Classification: Uncertain significance for Inborn genetic diseases. Last evaluated: 2022-08-02. Review status: criteria provided, single submitter. Criteria: Ambry Variant Classification Scheme 2023. Collection method: clinical testing. Allele origin: germline.